The following is an entry in ClinVar:

ClinVar aggregate classification (germline): Uncertain significance (1 of 4 stars; one submission).

Submission:

Labcorp Genetics (formerly Invitae), Labcorp
Classification: Uncertain significance. Last evaluated: 2022-08-09. Review status: criteria provided, single submitter. Criteria: Invitae Variant Classification Sherloc (09022015). Collection method: clinical testing. Allele origin: germline.
Comment: This variant has not been reported in the literature in individuals affected with OTOG-related conditions. In summary, the available evidence is currently insufficient to determine the role of this variant in disease. Therefore, it has been classified as a Variant of Uncertain Significance. Experimental studies and prediction algorithms are not available or were not evaluated, and the functional significance of this variant is currently unknown. ClinVar contains an entry for this variant (Variation ID: 1488862). This variant is present in population databases (no rsID available, gnomAD 0.02%). This variant, c.1264_1266del, results in the deletion of 1 amino acid(s) of the OTOG protein (p.Glu422del), but otherwise preserves the integrity of the reading frame.

NM_001292063.2(OTOG):c.1228_1230del (p.Glu410del)

Gene: OTOG (otogelin; plus strand). Cytogenetic location: 11p15.1.
Variant type: Deletion.
Coding change: c.1228_1230del on transcript NM_001292063.2 (MANE Select); coding-DNA positions 1228 to 1230, 3 bases deleted (GAG; older notation c.1228_1230delGAG).
Protein change: p.Glu410del; deletes glutamic acid 410.
Molecular consequence: inframe deletion.
Genome position (GRCh38, 1-based): chr11:17,559,548-17,559,550, GAG deleted; deleting any 3 consecutive bases within chr11:17,559,546-17,559,550 gives the same sequence; the c. name uses the placement nearest the transcript's 3' end. VCF-style (leftmost placement, unchanged base first): chr11-17559545-AAGG-A. GRCh37 (hg19) VCF-style: chr11-17581092-AAGG-A.
Other names: c.1264_1266del, p.Glu422del (NM_001277269.2); short protein forms E422del, E410del.
Identifiers: ClinVar variation 1488862 (VCV001488862.8), dbSNP rs1238249987, ClinGen allele CA597673090.
Genomic context (GRCh38, chr11:17,559,545, plus strand): 5'-GCAGAGCTGGGGCCAGTAGCTGAGAGACCATGGATCCCTCCTTCCCAAGCTGTGCACTGC[AAGG>A]AGAAGGCCTTTACCTACAATGAGTGCATCGCCTGCTGCCCTGCCTCCTGCCATCCCCGGG-3'